The following is an entry in ClinVar:

NC_012920.1(MT-TP):m.16013A>G

Gene: MT-TP (mitochondrially encoded tRNA proline; minus strand).
Variant type: single nucleotide variant.
Genome position: chrM-16013-A-G.
Identifiers: ClinVar variation 690274 (VCV000690274.1), dbSNP rs1603225636, ClinGen allele CA913175455.

ClinVar aggregate classification (germline): Uncertain significance (1 of 4 stars; one submission).

Conditions:
MELAS syndrome (MELAS). Also called: Juvenile myopathy, encephalopathy, lactic acidosis, stroke. Identifiers: Orphanet 550, MedGen C0162671, MONDO:0010789, OMIM 540000.

Submission:

Wong Mito Lab, Molecular and Human Genetics, Baylor College of Medicine
Classification: Uncertain significance for MELAS syndrome. Last evaluated: 2019-07-12. Review status: criteria provided, single submitter. Criteria: Modified ACMG Guidelines (Unpublished). Collection method: clinical testing. Allele origin: germline.
Comment: The NC_012920.1:m.16013A>G variant in MT-TP gene is interpreted to be a Unknown Significance variant based on the modified ACMG guidelines (unpublished). This variant meets the following evidence codes reported in the guidelines: BP4

Literature cited by the submitters: PubMed 31965079.